The following is an entry in ClinVar:

ClinVar aggregate classification (germline): Uncertain significance (1 of 4 stars; one submission).

Conditions:
Charcot-Marie-Tooth disease X-linked dominant 6. Also called: CHARCOT-MARIE-TOOTH NEUROPATHY, X-LINKED DOMINANT, 6. Identifiers: Orphanet 352675, MedGen C3806702, MONDO:0010479, OMIM 300905.

Submission:

Labcorp Genetics (formerly Invitae), Labcorp
Classification: Uncertain significance for Charcot-Marie-Tooth disease X-linked dominant 6. Last evaluated: 2023-04-03. Review status: criteria provided, single submitter. Criteria: Invitae Variant Classification Sherloc (09022015). Collection method: clinical testing. Allele origin: germline.
Comment: In summary, the available evidence is currently insufficient to determine the role of this variant in disease. Therefore, it has been classified as a Variant of Uncertain Significance. This variant has not been reported in the literature in individuals affected with PDK3-related conditions. This variant is not present in population databases (gnomAD no frequency). This sequence change creates a premature translational stop signal (p.Asn73Glnfs*17) in the PDK3 gene. It is expected to result in an absent or disrupted protein product. However, the current clinical and genetic evidence is not sufficient to establish whether loss-of-function variants in PDK3 cause disease.

NM_005391.5(PDK3):c.217_226del (p.Asn73fs)

Gene: PDK3 (pyruvate dehydrogenase kinase 3; plus strand). Cytogenetic location: Xp22.11.
Variant type: Deletion.
Coding change: c.217_226del on transcript NM_005391.5 (MANE Select); coding-DNA positions 217 to 226, 10 bases deleted (AACCGCCCTT; older notation c.217_226delAACCGCCCTT).
Protein change: p.Asn73fs; shifts the reading frame from asparagine 73.
Molecular consequence: frameshift variant.
Genome position (GRCh38, 1-based): chrX:24,494,852-24,494,861, AACCGCCCTT deleted; deleting any 10 consecutive bases within chrX:24,494,849-24,494,861 gives the same sequence; the c. name uses the placement nearest the transcript's 3' end. VCF-style (leftmost placement, unchanged base first): chrX-24494848-ACTTAACCGCC-A. GRCh37 (hg19) VCF-style: chrX-24512965-ACTTAACCGCC-A.
Other names: c.217_226del, p.Asn73fs (NM_001142386.3); short protein forms N73fs.
Identifiers: ClinVar variation 2851654 (VCV002851654.3), dbSNP rs2518575118, ClinGen allele CA2693337788.